The following is an entry in ClinVar:

NM_001378743.1(CYLD):c.*4567C>T

Genes: CYLD (CYLD lysine 63 deubiquitinase; plus strand), CYLD-AS2 (CYLD antisense RNA 2; minus strand). Cytogenetic location: 16q12.1.
Variant type: single nucleotide variant.
Coding change: c.*4567C>T on transcript NM_001378743.1 (MANE Select); 4567 bases downstream of the stop codon, C replaced by T.
Molecular consequence: 3 prime UTR variant. On other transcripts: non-coding transcript variant (1).
Genome position (GRCh38, 1-based): chr16:50,801,075, C>T. VCF-style: chr16-50801075-C-T. GRCh37 (hg19) VCF-style: chr16-50834986-C-T.
Other names: c.*4567C>T (NM_001042355.2, NM_001042412.3, NM_001378744.1 and 12 more transcripts).
Identifiers: ClinVar variation 319565 (VCV000319565.5), dbSNP rs113748745, ClinGen allele CA10637926.

ClinVar aggregate classification (germline): Benign. Review status: criteria provided, single submitter (1 of 4 stars). 3 submissions from 1 submitter: Benign (3). Last evaluated 2018-01-13.

Conditions:
Familial multiple trichoepitheliomata. Also called: Familial multiple trichoepithelioma. Identifiers: Orphanet 79493, Orphanet 867, MedGen C1275122, MONDO:0011114.
Familial cylindromatosis. Also called: Turban tumor syndrome; ANCELL-SPIEGLER CYLINDROMAS. Identifiers: Orphanet 211, Orphanet 79493, MedGen C1851526, MONDO:0007565, OMIM 132700.
Brooke-Spiegler syndrome. Also called: CYLD Cutaneous Syndrome. Identifiers: Orphanet 79493, MedGen C1857941, MONDO:0011512, OMIM 605041.

Allele frequency attached by ClinVar (database versions not stated): gnomAD exomes 0.00063; 1000 Genomes Project 0.00240; 1000 Genomes Project 30x 0.00265; gnomAD 0.00313 and 0.00336; TOPMed 0.00328.
gnomAD v4.1: 524 of 233,418 alleles (0.22%); highest among the groups gnomAD compares: African/African-American, 1.1%; 2 homozygotes.

Submissions (3):

Illumina Laboratory Services, Illumina
Classification: Benign for Trichoepithelioma, multiple familial, 1. Last evaluated: 2018-01-13. Review status: criteria provided, single submitter. Criteria: ICSL Variant Classification Criteria 13 December 2019. Collection method: clinical testing. Allele origin: germline.
Comment: This variant was observed in the ICSL laboratory as part of a predisposition screen in an ostensibly healthy population. It had not been previously curated by ICSL or reported in the Human Gene Mutation Database (HGMD: prior to June 1st, 2018), and was therefore a candidate for classification through an automated scoring system. Utilizing variant allele frequency, disease prevalence and penetrance estimates, and inheritance mode, an automated score was calculated to assess if this variant is too frequent to cause the disease. Based on the score and internal cut-off values, a variant classified as benign is not then subjected to further curation. The score for this variant resulted in a classification of benign for this disease.

Illumina Laboratory Services, Illumina
Classification: Benign for Brooke-Spiegler syndrome. Last evaluated: 2018-01-13. Review status: criteria provided, single submitter. Criteria: ICSL Variant Classification Criteria 13 December 2019. Collection method: clinical testing. Allele origin: germline.
Comment: the same text as in the submission from Illumina Laboratory Services, Illumina above.

Illumina Laboratory Services, Illumina
Classification: Benign for Familial cylindromatosis. Last evaluated: 2018-01-13. Review status: criteria provided, single submitter. Criteria: ICSL Variant Classification Criteria 13 December 2019. Collection method: clinical testing. Allele origin: germline.
Comment: the same text as in the submission from Illumina Laboratory Services, Illumina above.